The following is an entry in ClinVar:

NM_014845.6(FIG4):c.288G>C (p.Val96=)

Gene: FIG4 (FIG4 phosphoinositide 5-phosphatase; plus strand). Cytogenetic location: 6q21.
Variant type: single nucleotide variant.
Coding change: c.288G>C on transcript NM_014845.6 (MANE Select); coding-DNA position 288, G replaced by C.
Protein change: p.Val96=; no amino-acid change (valine 96 retained).
Molecular consequence: synonymous variant.
Genome position (GRCh38, 1-based): chr6:109,716,567, G>C. VCF-style: chr6-109716567-G-C. GRCh37 (hg19) VCF-style: chr6-110037770-G-C.
Identifiers: ClinVar variation 3896868 (VCV003896868.1).

ClinVar aggregate classification (germline): Uncertain significance (1 of 4 stars; one submission).

Conditions:
Amyotrophic lateral sclerosis type 11 (ALS11). Identifiers: Orphanet 803, MedGen C2675491, MONDO:0012945, OMIM 612577.

gnomAD v4.1: 1 of 1,613,612 alleles (0.000062%); highest among the groups gnomAD compares: Non-Finnish European, 0.000085%; no homozygotes.

Submission:

Kariminejad - Najmabadi Pathology & Genetics Center
Classification: Uncertain significance for Amyotrophic lateral sclerosis type 11. Last evaluated: 2024-07-17. Review status: criteria provided, single submitter. Criteria: ACMG Guidelines, 2015. Collection method: clinical testing. Allele origin: germline. Inheritance: Autosomal dominant inheritance. Affected: yes.
Comment: PM2, BP4